The following is an entry in ClinVar:

NM_001148.6(ANK2):c.9112A>C (p.Thr3038Pro)

Gene: ANK2 (ankyrin 2; plus strand). Cytogenetic location: 4q26.
Variant type: single nucleotide variant.
Coding change: c.9112A>C on transcript NM_001148.6 (MANE Select); coding-DNA position 9112, A replaced by C.
Protein change: p.Thr3038Pro; replaces threonine 3038 with proline.
Molecular consequence: missense variant. On other transcripts: intron variant (68).
Genome position (GRCh38, 1-based): chr4:113,357,730, A>C. VCF-style: chr4-113357730-A-C. GRCh37 (hg19) VCF-style: chr4-114278886-A-C.
Other names: c.8878A>C, p.Thr2960Pro (NM_001386142.1); c.5512A>C, p.Thr1838Pro (NM_001386166.1); c.9253A>C, p.Thr3085Pro (NM_001386174.1); c.9229A>C, p.Thr3077Pro (NM_001386175.1); c.4412-3093A>C (NM_001386186.2, NM_001386148.2); c.4214-3093A>C (NM_001354269.3); c.4292-3093A>C (NM_001386187.2); c.4253-3093A>C (NM_001386147.1); and 35 more; short protein forms T3085P, T2960P, T1838P, T3077P, T3038P.
Identifiers: ClinVar variation 4728637 (VCV004728637.2).

ClinVar aggregate classification (germline): Uncertain significance. Review status: criteria provided, multiple submitters, no conflicts (2 of 4 stars). 2 submissions from 2 submitters: Uncertain significance (2). Last evaluated 2026-02-24.

Conditions:
Long QT syndrome (LQTS). Identifiers: MedGen C0023976, MeSH D008133, MONDO:0002442. Disease mechanism: loss of function. Inheritance: Various modes of inheritance.
Cardiovascular phenotype. Identifiers: MedGen CN230736.

Submissions (2):

Ambry Genetics
Classification: Uncertain significance for Cardiovascular phenotype. Last evaluated: 2026-02-24. Review status: criteria provided, single submitter. Criteria: Ambry Variant Classification Scheme 2023. Collection method: clinical testing. Allele origin: germline.
Comment: The p.T3038P variant (also known as c.9112A>C), located in coding exon 38 of the ANK2 gene, results from an A to C substitution at nucleotide position 9112. The threonine at codon 3038 is replaced by proline, an amino acid with highly similar properties. This amino acid position is conserved. In addition, this alteration is predicted to be deleterious by in silico analysis. Based on the available evidence, the clinical significance of this variant remains unclear.

Labcorp Genetics (formerly Invitae), Labcorp
Classification: Uncertain significance for Long QT syndrome. Last evaluated: 2025-11-03. Review status: criteria provided, single submitter. Criteria: Invitae Variant Classification Sherloc (09022015). Collection method: clinical testing. Allele origin: germline.
Comment: This sequence change replaces threonine, which is neutral and polar, with proline, which is neutral and non-polar, at codon 3038 of the ANK2 protein (p.Thr3038Pro). This variant is not present in population databases (gnomAD no frequency). This variant has not been reported in the literature in individuals affected with ANK2-related conditions. An algorithm developed to predict the effect of missense changes on protein structure and function (PolyPhen-2) suggests that this variant is likely to be disruptive. In summary, the available evidence is currently insufficient to determine the role of this variant in disease. Therefore, it has been classified as a Variant of Uncertain Significance.